The following is an entry in ClinVar:

ClinVar aggregate classification (germline): Uncertain significance (1 of 4 stars; one submission).

Allele frequency attached by ClinVar (database versions not stated): TOPMed below 0.00001.

Submission:

Labcorp Genetics (formerly Invitae), Labcorp
Classification: Uncertain significance. Last evaluated: 2023-01-12. Review status: criteria provided, single submitter. Criteria: Invitae Variant Classification Sherloc (09022015). Collection method: clinical testing. Allele origin: germline.
Comment: In summary, the available evidence is currently insufficient to determine the role of this variant in disease. Therefore, it has been classified as a Variant of Uncertain Significance. Advanced modeling of protein sequence and biophysical properties (such as structural, functional, and spatial information, amino acid conservation, physicochemical variation, residue mobility, and thermodynamic stability) performed at Invitae indicates that this missense variant is not expected to disrupt COL7A1 protein function. This variant has not been reported in the literature in individuals affected with COL7A1-related conditions. This variant is not present in population databases (gnomAD no frequency). This sequence change replaces valine, which is neutral and non-polar, with alanine, which is neutral and non-polar, at codon 224 of the COL7A1 protein (p.Val224Ala).

NM_000094.4(COL7A1):c.671T>C (p.Val224Ala)

Gene: COL7A1 (collagen type VII alpha 1 chain; minus strand). Cytogenetic location: 3p21.31.
Variant type: single nucleotide variant.
Coding change: c.671T>C on transcript NM_000094.4 (MANE Select); coding-DNA position 671, T replaced by C.
Protein change: p.Val224Ala; replaces valine 224 with alanine.
Molecular consequence: missense variant.
Genome position (GRCh38, 1-based): chr3:48,593,113, A>G on the plus strand (T>C on the coding strand, the complement: COL7A1 is on the minus strand). VCF-style: chr3-48593113-A-G. GRCh37 (hg19) VCF-style: chr3-48630546-A-G.
Other names: short protein forms V224A.
Identifiers: ClinVar variation 2963048 (VCV002963048.3), dbSNP rs2045829212, ClinGen allele CA352743028.